The following is an entry in ClinVar:

NM_001395159.1(UNC79):c.6236+8C>T

Gene: UNC79 (unc-79 homolog, NALCN channel complex subunit; plus strand). Cytogenetic location: 14q32.12.
Variant type: single nucleotide variant.
Coding change: c.6236+8C>T on transcript NM_001395159.1 (MANE Select); 8 bases into the intron after coding-DNA position 6236, C replaced by T.
Molecular consequence: intron variant.
Genome position (GRCh38, 1-based): chr14:93,641,255, C>T. VCF-style: chr14-93641255-C-T. GRCh37 (hg19) VCF-style: chr14-94107601-C-T.
Other names: c.5489+8C>T (NM_020818.5); c.6170+8C>T (NM_001346218.2).
Identifiers: ClinVar variation 3048072 (VCV003048072.2), dbSNP rs367719336, ClinGen allele CA7322455.

ClinVar aggregate classification (germline): Likely benign (0 of 4 stars; one submission).

Conditions:
UNC79-related disorder. Also called: UNC79-related condition.

Allele frequency attached by ClinVar (database versions not stated): gnomAD exomes 0.00001; ExAC 0.00004; TOPMed 0.00012; gnomAD 0.00013; ESP Exome Variant Server 0.00015; 1000 Genomes Project 30x 0.00016; 1000 Genomes Project 0.00020.
gnomAD v4.1: 36 of 1,609,238 alleles (0.0022%); highest among the groups gnomAD compares: African/African-American, 0.037%; no homozygotes.

Submission:

PreventionGenetics, part of Exact Sciences
Classification: Likely benign for UNC79-related condition. Last evaluated: 2020-05-19. Review status: no assertion criteria provided. Collection method: clinical testing. Allele origin: germline.
Comment: This variant is classified as likely benign based on ACMG/AMP sequence variant interpretation guidelines (Richards et al. 2015 PMID: 25741868, with internal and published modifications).